The following is an entry in ClinVar:

ClinVar aggregate classification (germline): Uncertain significance. Review status: criteria provided, multiple submitters, no conflicts (2 of 4 stars). 2 submissions from 2 submitters: Uncertain significance (2). Last evaluated 2025-03-26.

Conditions:
Neuroblastoma, susceptibility to, 3. Also called: ALK-Related Neuroblastic Tumor Susceptibility. Identifiers: Orphanet 635, MedGen C2751681, MONDO:0013083, OMIM 613014.

Submissions (2):

Labcorp Genetics (formerly Invitae), Labcorp
Classification: Uncertain significance for Neuroblastoma, susceptibility to, 3. Last evaluated: 2025-03-26. Review status: criteria provided, single submitter. Criteria: Invitae Variant Classification Sherloc (09022015). Collection method: clinical testing. Allele origin: germline.
Comment: This sequence change creates a premature translational stop signal (p.Ser1560Leufs*3) in the ALK gene. While this is not anticipated to result in nonsense mediated decay, it is expected to disrupt the last 61 amino acid(s) of the ALK protein. This variant is not present in population databases (gnomAD no frequency). This variant has not been reported in the literature in individuals affected with ALK-related conditions. ClinVar contains an entry for this variant (Variation ID: 1061041). Experimental studies and prediction algorithms are not available or were not evaluated, and the functional significance of this variant is currently unknown. In summary, the available evidence is currently insufficient to determine the role of this variant in disease. Therefore, it has been classified as a Variant of Uncertain Significance.

Fulgent Genetics
Classification: Uncertain significance for Neuroblastoma, susceptibility to, 3. Last evaluated: 2022-01-10. Review status: criteria provided, single submitter. Criteria: ACMG Guidelines, 2015. Collection method: clinical testing. Allele origin: unknown.

NM_004304.5(ALK):c.4677del (p.Ser1560fs)

Gene: ALK (ALK receptor tyrosine kinase; minus strand). Cytogenetic location: 2p23.2.
Variant type: Deletion.
Coding change: c.4677del on transcript NM_004304.5 (MANE Select); coding-DNA position 4677, one base deleted (C; older notation c.4677delC).
Protein change: p.Ser1560fs; shifts the reading frame from serine 1560.
Molecular consequence: frameshift variant.
Genome position (GRCh38, 1-based): chr2:29,193,410, G deleted on the plus strand (C on the coding strand, the reverse complement: ALK is on the minus strand); the first of 3 consecutive G bases (chr2:29,193,410-29,193,412); deleting any one gives the same sequence. VCF-style (leftmost placement, unchanged base first): chr2-29193409-AG-A. GRCh37 (hg19) VCF-style: chr2-29416275-AG-A.
Other names: c.1473del, p.Ser492fs (NM_001353765.2); short protein forms S1560fs, S492fs.
Identifiers: ClinVar variation 1061041 (VCV001061041.8), dbSNP rs2148137540, ClinGen allele CA2499215863.
Genomic context (GRCh38, chr2:29,193,409, plus strand): 5'-CACAAGGGAAGTGACGTAGCCTGAACAGAGGTACCTCCTTCATATTGGCAGTCAGCGAAG[AG>A]GGCTCTAGGAGCAGTGAGGCCCCCGGAAGTCTCCCAGTTGCAACGTTAGGTGGGACAGTA-3'